The following is an entry in ClinVar:

NM_002528.7(NTHL1):c.905A>T (p.Gln302Leu)

Gene: NTHL1 (nth like DNA glycosylase 1; minus strand). Cytogenetic location: 16p13.3.
Variant type: single nucleotide variant.
Coding change: c.905A>T on transcript NM_002528.7 (MANE Select); coding-DNA position 905, A replaced by T.
Protein change: p.Gln302Leu; replaces glutamine 302 with leucine.
Molecular consequence: missense variant.
Genome position (GRCh38, 1-based): chr16:2,039,934, T>A on the plus strand (A>T on the coding strand, the complement: NTHL1 is on the minus strand). VCF-style: chr16-2039934-T-A. GRCh37 (hg19) VCF-style: chr16-2089935-T-A.
Other names: c.734A>T, p.Gln245Leu (NM_001318193.2); c.575A>T, p.Gln192Leu (NM_001318194.2); short protein forms Q192L, Q245L, Q302L.
Identifiers: ClinVar variation 1471748 (VCV001471748.6), dbSNP rs2150937736, ClinGen allele CA394286956.

ClinVar aggregate classification (germline): Uncertain significance (1 of 4 stars; one submission).

Submission:

Labcorp Genetics (formerly Invitae), Labcorp
Classification: Uncertain significance. Last evaluated: 2021-03-07. Review status: criteria provided, single submitter. Criteria: Invitae Variant Classification Sherloc (09022015). Collection method: clinical testing. Allele origin: germline.
Comment: This sequence change replaces glutamine with leucine at codon 310 of the NTHL1 protein (p.Gln310Leu). The glutamine residue is weakly conserved and there is a moderate physicochemical difference between glutamine and leucine. In summary, the available evidence is currently insufficient to determine the role of this variant in disease. Therefore, it has been classified as a Variant of Uncertain Significance. Algorithms developed to predict the effect of missense changes on protein structure and function are either unavailable or do not agree on the potential impact of this missense change (SIFT: "Not Available"; PolyPhen-2: "Benign"; Align-GVGD: "Not Available"). This variant has not been reported in the literature in individuals with NTHL1-related conditions. This variant is not present in population databases (ExAC no frequency).